The following is an entry in ClinVar:

ClinVar aggregate classification (germline): Conflicting classifications of pathogenicity. Review status: criteria provided, conflicting classifications (1 of 4 stars). 8 submissions from 8 submitters: Uncertain significance (6); Benign (1); Likely benign (1). Last evaluated 2026-09-08.

Conditions:
Arrhythmogenic right ventricular dysplasia 8 (ARVD8). Also called: Arrhythmogenic Right Ventricular Dysplasia/Cardiomyopathy 8; ARRHYTHMOGENIC RIGHT VENTRICULAR CARDIOMYOPATHY 8; ARRHYTHMOGENIC RIGHT VENTRICULAR DYSPLASIA, FAMILIAL, 8. Identifiers: MedGen C1843896, MONDO:0011831, OMIM 607450.
Arrhythmogenic cardiomyopathy with wooly hair and keratoderma. Also called: Dilated cardiomyopathy with woolly hair and keratoderma; PALMOPLANTAR KERATODERMA WITH LEFT VENTRICULAR CARDIOMYOPATHY AND WOOLLY HAIR; Carvajal syndrome; Arrhythmogenic cardiomyopathy with woolly hair and keratoderma. Identifiers: Orphanet 65282, MedGen C1854063, MONDO:0011581, OMIM 605676.
Cardiovascular phenotype. Identifiers: MedGen CN230736.
Cardiomyopathy, dilated, with wooly hair, keratoderma, and tooth agenesis. Also called: Erythrokeratodermia-cardiomyopathy syndrome; Cardiomyopathy, dilated, with woolly hair, keratoderma, and tooth agenesis. Identifiers: Orphanet 476096, Orphanet 65282, MedGen C4014393, MONDO:0014355, OMIM 615821.
Woolly hair-skin fragility syndrome (WHSF). Identifiers: Orphanet 293165, MedGen C1843292, MONDO:0957307, OMIM 620415.
Lethal acantholytic epidermolysis bullosa (EBLA). Identifiers: Orphanet 158687, MedGen C1864826, MONDO:0012323, OMIM 609638.
Keratosis palmoplantaris striata 2. Also called: KERATODERMA, PALMOPLANTAR, STRIATE FORM II; STRIATE PALMOPLANTAR KERATODERMA II; Keratosis palmoplantaris striata II. Identifiers: MedGen C1852127, MONDO:0013034, OMIM 612908.
Cardiomyopathy (CMYO). Also called: Cardiomyopathies. Identifiers: Orphanet 167848, MedGen C0878544, MONDO:0004994, HP:0001638. Inheritance: Various modes of inheritance.
DSP-related disorder. Also called: DSP-related condition; DSP-related disorders.

Allele frequency attached by ClinVar (database versions not stated): ESP Exome Variant Server 0.00015; 1000 Genomes Project 30x 0.00016; 1000 Genomes Project 0.00020; gnomAD exomes 0.00002 and 0.00004; ExAC 0.00004; gnomAD 0.00006; TOPMed 0.00007.
gnomAD v4.1: 34 of 1,613,948 alleles (0.0021%); highest among the groups gnomAD compares: African/African-American, 0.024%; no homozygotes.

Submissions (8):

PreventionGenetics, part of Exact Sciences
Classification: Uncertain significance for DSP-related condition. Last evaluated: 2026-09-08. Review status: criteria provided, single submitter. Criteria: ACMG Guidelines, 2015. Collection method: clinical testing. Allele origin: germline.
Comment: The DSP c.3304G>A variant is predicted to result in the amino acid substitution p.Gly1102Ser. To our knowledge, this variant has not been reported in the literature. This variant is reported in 0.024% of alleles in individuals of African descent in gnomAD. At this time, the clinical significance of this variant is uncertain due to the absence of conclusive functional and genetic evidence.

Labcorp Genetics (formerly Invitae), Labcorp
Classification: Benign for Arrhythmogenic cardiomyopathy with wooly hair and keratoderma; Arrhythmogenic right ventricular dysplasia 8. Last evaluated: 2025-12-24. Review status: criteria provided, single submitter. Criteria: Invitae Variant Classification Sherloc (09022015). Collection method: clinical testing. Allele origin: germline.

Color Diagnostics, LLC DBA Color Health
Classification: Likely benign for Cardiomyopathy. Last evaluated: 2025-10-07. Review status: criteria provided, single submitter. Criteria: ACMG Guidelines, 2015. Collection method: clinical testing. Allele origin: germline.

Ambry Genetics
Classification: Uncertain significance for Cardiovascular phenotype. Last evaluated: 2024-09-06. Review status: criteria provided, single submitter. Criteria: Ambry Variant Classification Scheme 2023. Collection method: clinical testing. Allele origin: germline.

GeneDx
Classification: Uncertain significance. Last evaluated: 2024-05-06. Review status: criteria provided, single submitter. Criteria: GeneDx Variant Classification Process June 2021. Collection method: clinical testing. Allele origin: germline. Affected: yes.
Comment: Has not been previously published as pathogenic or benign to our knowledge; In silico analysis indicates that this missense variant does not alter protein structure/function

All of Us Research Program, National Institutes of Health
Classification: Uncertain significance for Arrhythmogenic cardiomyopathy with wooly hair and keratoderma. Last evaluated: 2023-12-18. Review status: criteria provided, single submitter. Criteria: ACMG Guidelines, 2015. Collection method: clinical testing. Allele origin: germline. Inheritance: Autosomal dominant inheritance. Observed: 8 variant alleles, 8 heterozygotes.
Comment: This missense variant replaces glycine with serine at codon 1102 of the DSP protein. Computational prediction suggests that this variant may not impact protein structure and function (internally defined REVEL score threshold <= 0.5, PMID: 27666373). To our knowledge, functional studies have not been reported for this variant. This variant has not been reported in individuals affected with cardiovascular disorders in the literature. This variant has been identified in 13/282036 chromosomes in the general population by the Genome Aggregation Database (gnomAD). The available evidence is insufficient to determine the role of this variant in disease conclusively. Therefore, this variant is classified as a Variant of Uncertain Significance.

This study involves interpretation of variants in research participants for the purpose of population health screening. Participant phenotype was not available at the time of variant classification. Additional details can be found in publication PMID: 35346344, PMCID: PMC8962531

Fulgent Genetics
Classification: Uncertain significance for Arrhythmogenic cardiomyopathy with wooly hair and keratoderma; Arrhythmogenic right ventricular dysplasia 8; Lethal acantholytic epidermolysis bullosa; Keratosis palmoplantaris striata 2; Cardiomyopathy, dilated, with wooly hair, keratoderma, and tooth agenesis. Last evaluated: 2022-02-11. Review status: criteria provided, single submitter. Criteria: ACMG Guidelines, 2015. Collection method: clinical testing. Allele origin: unknown.

Phosphorus, Inc.
Classification: Uncertain significance. Last evaluated: 2022-01-18. Review status: criteria provided, single submitter. Criteria: ACMG Guidelines, 2015. Collection method: clinical testing. Allele origin: germline. Inheritance: Autosomal dominant inheritance.
Comment: This missense variant results in an amino acid substitution of Glycine with Serine at codon 1102 of the DSP gene (transcript: NM_004415.2). This variant has an entry in ClinVar (648241) NM_004415.4(DSP):c.3304G>A (p.Gly1102Ser). This variant occurred in gnomAD with a total MAF of 0.0041% and with the highest MAF of 0.0009% in the European population. This position is conserved. In silico functional algorithms predict this variant to be benign (PolyPhen) and tolerated (SIFT). However, no functional studies were performed to confirm either of those predictions. The variant has not occurred in the literature in association with the disease. Considering that this is a rare variant and the available evidence is not enough to ascertain its role in disease, it has been classified as Variant of Uncertain Significance.

NM_004415.4(DSP):c.3304G>A (p.Gly1102Ser)

Gene: DSP (desmoplakin; plus strand). Cytogenetic location: 6p24.3.
Variant type: single nucleotide variant.
Coding change: c.3304G>A on transcript NM_004415.4 (MANE Select); coding-DNA position 3304, G replaced by A.
Protein change: p.Gly1102Ser; replaces glycine 1102 with serine.
Molecular consequence: missense variant.
Genome position (GRCh38, 1-based): chr6:7,579,494, G>A. VCF-style: chr6-7579494-G-A. GRCh37 (hg19) VCF-style: chr6-7579727-G-A.
Other names: c.3304G>A (LRG_423t1, NM_004415.3); c.3304G>A, p.Gly1102Ser (NM_001008844.3, NM_001319034.2); short protein forms G1102S.
Identifiers: ClinVar variation 648241 (VCV000648241.23), dbSNP rs2491079, ClinGen allele CA037757.
Genomic context (GRCh38, chr6:7,579,494, plus strand): 5'-CTGAAGAGACAGGCTGAGCTGGATGGGAAGTCGGCTAAGCAAAATCTAGACAAGTGCTAC[G>A]GCCAAATAAAAGAACTCAATGAGAAGATCACCCGACTGACTTATGAGATTGAAGATGAAA-3'
Protein context (NP_004406.2, residues 1092-1112): SAKQNLDKCY[Gly1102Ser]QIKELNEKIT